The following is an entry in ClinVar:

ClinVar aggregate classification (germline): Conflicting classifications of pathogenicity. Review status: criteria provided, conflicting classifications (1 of 4 stars). 11 submissions from 11 submitters: Uncertain significance (1); Benign (1); Likely benign (6). 3 of the submissions do not count toward it. Last evaluated 2026-01-31.

Conditions:
Hereditary cancer-predisposing syndrome. Also called: Hereditary neoplastic syndrome; Neoplastic Syndromes, Hereditary; Tumor predisposition; Hereditary Cancer Syndrome. Identifiers: Orphanet 140162, MedGen C0027672, MeSH D009386, MONDO:0015356.
Familial adenomatous polyposis 1 (FAP1). Also called: FAMILIAL ADENOMATOUS POLYPOSIS 1, ATTENUATED; POLYPOSIS, ADENOMATOUS INTESTINAL. Identifiers: MedGen C2713442, MONDO:0021056, OMIM 175100. Disease mechanism: loss of function.

Allele frequency attached by ClinVar (database versions not stated): TOPMed 0.00001; ExAC 0.00002; gnomAD 0.00002; gnomAD exomes 0.00002 and 0.00005; ESP Exome Variant Server 0.00008.
gnomAD v4.1: 68 of 1,608,934 alleles (0.0042%); highest among the groups gnomAD compares: Non-Finnish European, 0.0057%; no homozygotes.

Submissions (11):

Labcorp Genetics (formerly Invitae), Labcorp
Classification: Likely benign for Familial adenomatous polyposis 1. Last evaluated: 2026-01-31. Review status: criteria provided, single submitter. Criteria: Invitae Variant Classification Sherloc (09022015). Collection method: clinical testing. Allele origin: germline.

Center for Genomic Medicine, Rigshospitalet, Copenhagen University Hospital
Classification: Likely benign. Last evaluated: 2025-12-29. Review status: criteria provided, single submitter. Criteria: ACMG Guidelines, 2015. Collection method: clinical testing. Allele origin: germline.
Comment: Classification criteria: BS1

Myriad Genetics, Inc.
Classification: Likely benign for Familial adenomatous polyposis 1. Last evaluated: 2023-02-16. Review status: criteria provided, single submitter. Criteria: Myriad Autosomal Dominant, Autosomal Recessive and X-Linked Classification Criteria (2023). Collection method: clinical testing. Allele origin: unknown.
Comment: This variant is considered likely benign. This variant is intronic and is not expected to impact mRNA splicing.

Genetic Services Laboratory, University of Chicago
Classification: Uncertain significance. Last evaluated: 2021-11-19. Review status: criteria provided, single submitter. Criteria: ACMG Guidelines, 2015. Collection method: clinical testing. Allele origin: germline. Affected: no.
Comment: DNA sequence analysis of the APC gene demonstrated a sequence change in intron 8, c.835-3T>C. This sequence change has been described in the gnomAD database with a frequency of 0.004% in the non-Finnish European subpopulation (dbSNP rs372090940). This sequence change is not predicted to have a deleterious effect on splicing based on in-silico splice prediction programs. This sequence change has been previously described in an individual with colorectal cancer (PMID: 28135145). It is possible that this sequence change represents a benign sequence change in the APC gene that has not been identified to date. The functional significance of this sequence change is not known at present and its contribution to this individual's disease phenotype cannot definitively be determined.

Women's Health and Genetics/Laboratory Corporation of America, LabCorp
Classification: Likely benign. Last evaluated: 2021-07-04. Review status: criteria provided, single submitter. Criteria: LabCorp Variant Classification Summary - May 2015. Collection method: clinical testing. Allele origin: germline.
Comment: Variant summary: APC c.835-3T>C alters a conserved nucleotide located close to a canonical splice site and therefore could affect mRNA splicing, leading to a significantly altered protein sequence. 4/4 computational tools predict no significant impact on normal splicing. However, these predictions have yet to be confirmed by functional studies. The variant allele was found at a frequency of 2e-05 in 250968 control chromosomes. The available data on variant occurrences in the general population are insufficient to allow any conclusion about variant significance. c.835-3T>C has been reported in the literature as a VUS in settings of multigene panel testing in individuals affected with colorectal cancer (example, Yurgelun_2017). These report(s) do not provide unequivocal conclusions about association of the variant with Familial Adenomatous Polyposis. To our knowledge, no experimental evidence demonstrating an impact on protein function has been reported. Five clinical diagnostic laboratories have submitted clinical-significance assessments for this variant to ClinVar after 2014 without evidence for independent evaluation with a majority consensus leaning towards benign (n=1)/likely benign(n=3). Based on the evidence outlined above, the variant was classified as likely benign.

Ambry Genetics
Classification: Likely benign for Hereditary cancer-predisposing syndrome. Last evaluated: 2019-06-19. Review status: criteria provided, single submitter. Criteria: Ambry Variant Classification Scheme 2023. Collection method: clinical testing. Allele origin: germline.

GeneDx
Classification: Likely benign. Last evaluated: 2017-09-01. Review status: criteria provided, single submitter. Criteria: GeneDx Variant Classification (06012015). Collection method: clinical testing. Allele origin: germline. Affected: yes.
Comment: This variant is considered likely benign or benign based on one or more of the following criteria: it is a conservative change, it occurs at a poorly conserved position in the protein, it is predicted to be benign by multiple in silico algorithms, and/or has population frequency not consistent with disease.

Color Diagnostics, LLC DBA Color Health
Classification: Benign for Hereditary cancer-predisposing syndrome. Last evaluated: 2017-04-11. Review status: criteria provided, single submitter. Criteria: ACMG Guidelines, 2015. Collection method: clinical testing. Allele origin: germline.

Counsyl
Classification: Uncertain significance for Familial adenomatous polyposis 1. Last evaluated: 2015-12-22. Review status: no assertion criteria provided. Collection method: clinical testing. Allele origin: unknown. Not counted in ClinVar's aggregate classification.

Genome Diagnostics Laboratory, Amsterdam University Medical Center
Classification: Likely benign. Review status: no assertion criteria provided. Collection method: clinical testing. Allele origin: germline. Affected: yes. Study: VKGL Data-share Consensus. Not counted in ClinVar's aggregate classification.

Genome Diagnostics Laboratory, University Medical Center Utrecht
Classification: Likely benign. Review status: no assertion criteria provided. Collection method: clinical testing. Allele origin: germline. Affected: yes. Study: VKGL Data-share Consensus. Not counted in ClinVar's aggregate classification.

Literature cited by the submitters: PubMed 28135145 (cited by Women's Health and Genetics/Laboratory Corporation of America, LabCorp).

NM_000038.6(APC):c.835-3T>C

Gene: APC (APC regulator of Wnt signaling pathway; plus strand). Cytogenetic location: 5q22.2.
Variant type: single nucleotide variant.
Coding change: c.835-3T>C on transcript NM_000038.6 (MANE Select); 3 bases into the intron before coding-DNA position 835, T replaced by C.
Molecular consequence: intron variant.
Genome position (GRCh38, 1-based): chr5:112,815,492, T>C. VCF-style: chr5-112815492-T-C. GRCh37 (hg19) VCF-style: chr5-112151189-T-C.
Other names: c.835-3T>C (NM_001354895.2, NM_001127510.3, NM_001354896.2 and 1 more transcripts); c.865-3T>C (NM_001354897.2, NM_001354902.2); c.781-3T>C (NM_001127511.3); c.760-3T>C (NM_001354898.2, NM_001354904.2); c.-15-3T>C (NM_001354906.2); c.751-3T>C (NM_001354899.2); c.658-3T>C (NM_001354900.2, NM_001354901.2, NM_001354905.2).
Identifiers: ClinVar variation 185141 (VCV000185141.29), dbSNP rs372090940, ClinGen allele CA015171.